The following is an entry in ClinVar:

ClinVar aggregate classification (germline): Uncertain significance (1 of 4 stars; one submission).

Conditions:
Hajdu-Cheney syndrome (HJCYS). Also called: ACROOSTEOLYSIS WITH OSTEOPOROSIS AND CHANGES IN SKULL AND MANDIBLE; Acroosteolysis dominant type; SERPENTINE FIBULA-POLYCYSTIC KIDNEY SYNDROME. Identifiers: Orphanet 955, MedGen C0917715, MONDO:0007057, OMIM 102500.

gnomAD v4.1: 3 of 1,614,228 alleles (0.00019%); highest among the groups gnomAD compares: African/African-American, 0.0027%; no homozygotes.

Submission:

Labcorp Genetics (formerly Invitae), Labcorp
Classification: Uncertain significance for Hajdu-Cheney syndrome. Last evaluated: 2024-10-17. Review status: criteria provided, single submitter. Criteria: Invitae Variant Classification Sherloc (09022015). Collection method: clinical testing. Allele origin: germline.
Comment: This sequence change replaces alanine, which is neutral and non-polar, with valine, which is neutral and non-polar, at codon 2195 of the NOTCH2 protein (p.Ala2195Val). This variant is not present in population databases (gnomAD no frequency). This variant has not been reported in the literature in individuals affected with NOTCH2-related conditions. Invitae Evidence Modeling of protein sequence and biophysical properties (such as structural, functional, and spatial information, amino acid conservation, physicochemical variation, residue mobility, and thermodynamic stability) indicates that this missense variant is not expected to disrupt NOTCH2 protein function with a negative predictive value of 80%. In summary, the available evidence is currently insufficient to determine the role of this variant in disease. Therefore, it has been classified as a Variant of Uncertain Significance.

NM_024408.4(NOTCH2):c.6584C>T (p.Ala2195Val)

Gene: NOTCH2 (notch receptor 2; minus strand). Cytogenetic location: 1p12.
Variant type: single nucleotide variant.
Coding change: c.6584C>T on transcript NM_024408.4 (MANE Select); coding-DNA position 6584, C replaced by T.
Protein change: p.Ala2195Val; replaces alanine 2195 with valine.
Molecular consequence: missense variant.
Genome position (GRCh38, 1-based): chr1:119,916,138, G>A on the plus strand (C>T on the coding strand, the complement: NOTCH2 is on the minus strand). VCF-style: chr1-119916138-G-A. GRCh37 (hg19) VCF-style: chr1-120458761-G-A.
Other names: short protein forms A2195V.
Identifiers: ClinVar variation 3696983 (VCV003696983.2).